The following is an entry in ClinVar:

ClinVar aggregate classification (germline): Benign/Likely benign. Review status: criteria provided, multiple submitters, no conflicts (2 of 4 stars). 2 submissions from 2 submitters: Benign (1); Likely benign (1). Last evaluated 2026-09-18.

Conditions:
Colorectal cancer, hereditary nonpolyposis, type 7. Identifiers: Orphanet 144, MedGen C1858380, MONDO:0013725, OMIM 614385.

gnomAD v4.1: 1 of 1,614,102 alleles (0.000062%); highest among the groups gnomAD compares: Non-Finnish European, 0.000085%; no homozygotes.

Submissions (2):

Myriad Genetics, Inc.
Classification: Benign for Colorectal cancer, hereditary nonpolyposis, type 7. Last evaluated: 2026-09-18. Review status: criteria provided, single submitter. Criteria: Myriad Autosomal Dominant, Autosomal Recessive and X-Linked Classification Criteria (2023). Collection method: clinical testing. Allele origin: unknown.
Comment: This variant is considered benign. This variant is a silent/synonymous amino acid change and it is not expected to impact splicing.

Ambry Genetics
Classification: Likely benign. Last evaluated: 2024-02-22. Review status: criteria provided, single submitter. Criteria: Ambry Variant Classification Scheme 2023. Collection method: clinical testing. Allele origin: germline.

NM_001040108.2(MLH3):c.2850T>C (p.Asn950=)

Gene: MLH3 (mutL homolog 3; minus strand). Cytogenetic location: 14q24.3.
Variant type: single nucleotide variant.
Coding change: c.2850T>C on transcript NM_001040108.2 (MANE Select); coding-DNA position 2850, T replaced by C.
Protein change: p.Asn950=; no amino-acid change (asparagine 950 retained).
Molecular consequence: synonymous variant.
Genome position (GRCh38, 1-based): chr14:75,046,806, A>G on the plus strand (T>C on the coding strand, the complement: MLH3 is on the minus strand). VCF-style: chr14-75046806-A-G. GRCh37 (hg19) VCF-style: chr14-75513509-A-G.
Other names: c.2850T>C, p.Asn950= (NM_014381.3).
Identifiers: ClinVar variation 3232499 (VCV003232499.2), dbSNP rs762525606, ClinGen allele CA487273717.
Genomic context (GRCh38, chr14:75,046,806, plus strand): 5'-CAAAGGAGTTTCTGATATCACACAGTTCTCTGTTGTATTGCTGTTAGAATGTGTTTTACT[A>G]TTTTTATTAAAGGAATTATCCTGTGTGGCAGAATCTGATGTTGGGATGACACCATTCTCT-3'
Protein context (NP_001035197.1, residues 940-960): SATQDNSFNK[Asn950=]SKTHSNSNTT